The following is an entry in ClinVar:

ClinVar aggregate classification (germline): Uncertain significance (1 of 4 stars; one submission).

Allele frequency attached by ClinVar (database versions not stated): TOPMed below 0.00001.

Submission:

Labcorp Genetics (formerly Invitae), Labcorp
Classification: Uncertain significance. Last evaluated: 2024-08-12. Review status: criteria provided, single submitter. Criteria: Invitae Variant Classification Sherloc (09022015). Collection method: clinical testing. Allele origin: germline.
Comment: This sequence change falls in intron 14 of the KMT2B gene. It does not directly change the encoded amino acid sequence of the KMT2B protein. It affects a nucleotide within the consensus splice site. This variant is not present in population databases (gnomAD no frequency). This variant has not been reported in the literature in individuals affected with KMT2B-related conditions. Variants that disrupt the consensus splice site are a relatively common cause of aberrant splicing (PMID: 17576681, 9536098). Algorithms developed to predict the effect of sequence changes on RNA splicing suggest that this variant is not likely to affect RNA splicing. In summary, the available evidence is currently insufficient to determine the role of this variant in disease. Therefore, it has been classified as a Variant of Uncertain Significance.

Literature cited by the submitters: PubMed 17576681; PubMed 9536098.

NM_014727.3(KMT2B):c.4004-3T>C

Gene: KMT2B (lysine methyltransferase 2B; plus strand). Cytogenetic location: 19q13.12.
Variant type: single nucleotide variant.
Coding change: c.4004-3T>C on transcript NM_014727.3 (MANE Select); 3 bases into the intron before coding-DNA position 4004, T replaced by C.
Molecular consequence: intron variant.
Genome position (GRCh38, 1-based): chr19:35,727,153, T>C. VCF-style: chr19-35727153-T-C. GRCh37 (hg19) VCF-style: chr19-36218054-T-C.
Identifiers: ClinVar variation 2980830 (VCV002980830.3), dbSNP rs1969488543, ClinGen allele CA2333791666.
Genomic context (GRCh38, chr19:35,727,153, plus strand): 5'-AGAGACACTCAGGGCTGAGTGGGAACTCCAGCACCTCTGACTCCTTCTCTTCCCTTTCTC[T>C]AGGAAACTACTGCCCGATCTGTACACGCTGCTATGAAGACAACGACTATGAGAGCAAGAT-3'